The following is an entry in ClinVar:

NM_001008216.2(GALE):c.873+13G>C

Gene: GALE (UDP-galactose-4-epimerase; minus strand). Cytogenetic location: 1p36.11.
Variant type: single nucleotide variant.
Coding change: c.873+13G>C on transcript NM_001008216.2 (MANE Select); 13 bases into the intron after coding-DNA position 873, G replaced by C.
Molecular consequence: intron variant.
Genome position (GRCh38, 1-based): chr1:23,796,496, C>G on the plus strand (G>C on the coding strand, the complement: GALE is on the minus strand). VCF-style: chr1-23796496-C-G. GRCh37 (hg19) VCF-style: chr1-24122986-C-G.
Other names: c.873+13G>C (NM_000403.4, NM_001127621.2).
Identifiers: ClinVar variation 402890 (VCV000402890.17), dbSNP rs760941, ClinGen allele CA685502.
Genomic context (GRCh38, chr1:23,796,496, plus strand): 5'-GGGCCAAAGCTGCTCTGTTGCTGAGAGCTGGGTGGGGTGAGGTGGGTGAGGTGGGTGGGG[C>G]GGGGGGGCCTACCTTCTTCCCAGAGGCCTTCTCCATAGCCTGGACCATCTGCAGCACTGA-3'

ClinVar aggregate classification (germline): Benign/Likely benign. Review status: criteria provided, multiple submitters, no conflicts (2 of 4 stars). 5 submissions from 5 submitters: Benign (1); Likely benign (4). Last evaluated 2025-12-31.

Conditions:
UDPglucose-4-epimerase deficiency. Also called: UDP-GALACTOSE-4-EPIMERASE DEFICIENCY; Epimerase Deficiency Galactosemia; GALACTOSEMIA III; GALE DEFICIENCY; UDPglucose 4-Epimerase Deficiency Disease; Galactose epimerase deficiency. Identifiers: Orphanet 352, Orphanet 79238, MedGen C0751161, MONDO:0009257, OMIM 230350.

Allele frequency attached by ClinVar (database versions not stated): gnomAD 0.00124 and 0.00129.
gnomAD v4.1: 1,316 of 1,392,538 alleles (0.095%); highest among the groups gnomAD compares: Middle Eastern, 0.22%; 3 homozygotes.

Submissions (5):

Labcorp Genetics (formerly Invitae), Labcorp
Classification: Benign for UDPglucose-4-epimerase deficiency. Last evaluated: 2025-12-31. Review status: criteria provided, single submitter. Criteria: Invitae Variant Classification Sherloc (09022015). Collection method: clinical testing. Allele origin: germline.

Blueprint Genetics
Classification: Likely benign. Last evaluated: 2024-11-04. Review status: criteria provided, single submitter. Criteria: ACMG Guidelines, 2015. Collection method: clinical testing. Allele origin: germline.

Illumina Laboratory Services, Illumina
Classification: Likely benign for UDPglucose-4-epimerase deficiency. Last evaluated: 2018-01-13. Review status: criteria provided, single submitter. Criteria: ICSL Variant Classification Criteria 13 December 2019. Collection method: clinical testing. Allele origin: germline.
Comment: This variant was observed in the ICSL laboratory as part of a predisposition screen in an ostensibly healthy population. It had not been previously curated by ICSL or reported in the Human Gene Mutation Database (HGMD: prior to June 1st, 2018), and was therefore a candidate for classification through an automated scoring system. Utilizing variant allele frequency, disease prevalence and penetrance estimates, and inheritance mode, an automated score was calculated to assess if this variant is too frequent to cause the disease. Based on the score and internal cut-off values, a variant classified as likely benign is not then subjected to further curation. The score for this variant resulted in a classification of likely benign for this disease.

Laboratory for Molecular Medicine, Mass General Brigham Personalized Medicine
Classification: Likely benign. Last evaluated: 2016-03-28. Review status: criteria provided, single submitter. Criteria: LMM Criteria. Collection method: clinical testing. Allele origin: germline.
Comment: Variant identified in a genome or exome case(s) and assessed due to predicted null impact of the variant or pathogenic assertions in the literature or databases. Disclaimer: This variant has not undergone full assessment. The following are preliminary notes: Same variant as above. Gene associated with epimerase deficiency galactosemia - Infants with the profound generalized form who are on a diet containing galactose/lactose manifest hypotonia, poor feeding, vomiting, weight loss, jaundice, hepatomegaly, liver dysfunction, aminoaciduria, and cataracts. Frequency and location of variant suggest benign

Breakthrough Genomics
Classification: Likely benign. Review status: criteria provided, single submitter. Criteria: ACMG Guidelines, 2015. Collection method: not provided. Allele origin: germline. Inheritance: Autosomal recessive inheritance. Affected: yes.